The following is an entry in ClinVar:

ClinVar aggregate classification (germline): Uncertain significance (1 of 4 stars; one submission).

Conditions:
Alstrom syndrome (ALMS). Identifiers: Orphanet 64, MedGen C0268425, MONDO:0008763, OMIM 203800.

Allele frequency attached by ClinVar (database versions not stated): gnomAD exomes below 0.00001; ExAC 0.00001; gnomAD 0.00001.
gnomAD v4.1: 4 of 1,612,644 alleles (0.00025%); highest among the groups gnomAD compares: Admixed American, 0.0033%; no homozygotes.

Submission:

Labcorp Genetics (formerly Invitae), Labcorp
Classification: Uncertain significance for Alstrom syndrome. Last evaluated: 2023-08-30. Review status: criteria provided, single submitter. Criteria: Invitae Variant Classification Sherloc (09022015). Collection method: clinical testing. Allele origin: germline.
Comment: In summary, the available evidence is currently insufficient to determine the role of this variant in disease. Therefore, it has been classified as a Variant of Uncertain Significance. Experimental studies and prediction algorithms are not available or were not evaluated, and the functional significance of this variant is currently unknown. ClinVar contains an entry for this variant (Variation ID: 1349816). This variant has not been reported in the literature in individuals affected with ALMS1-related conditions. This variant is present in population databases (rs770713526, gnomAD 0.0009%). This sequence change replaces lysine, which is basic and polar, with glutamic acid, which is acidic and polar, at codon 1119 of the ALMS1 protein (p.Lys1119Glu).

NM_001378454.1(ALMS1):c.3352A>G (p.Lys1118Glu)

Gene: ALMS1 (ALMS1 centrosome and basal body associated protein; plus strand). Cytogenetic location: 2p13.1.
Variant type: single nucleotide variant.
Coding change: c.3352A>G on transcript NM_001378454.1 (MANE Select); coding-DNA position 3352, A replaced by G.
Protein change: p.Lys1118Glu; replaces lysine 1118 with glutamic acid.
Molecular consequence: missense variant.
Genome position (GRCh38, 1-based): chr2:73,449,879, A>G. VCF-style: chr2-73449879-A-G. GRCh37 (hg19) VCF-style: chr2-73677006-A-G.
Other names: c.3355A>G, p.Lys1119Glu (NM_015120.4); short protein forms K1119E, K1118E.
Identifiers: ClinVar variation 1349816 (VCV001349816.5), dbSNP rs770713526, ClinGen allele CA1713511.